The following is an entry in ClinVar:

ClinVar aggregate classification (germline): Uncertain significance (0 of 4 stars; one submission).

Conditions:
SEMA3A-related disorder. Also called: SEMA3A-related condition.

Submission:

PreventionGenetics, part of Exact Sciences
Classification: Uncertain significance for SEMA3A-related condition. Last evaluated: 2024-03-07. Review status: no assertion criteria provided. Collection method: clinical testing. Allele origin: germline.
Comment: The SEMA3A c.338A>G variant is predicted to result in the amino acid substitution p.Glu113Gly. To our knowledge, this variant has not been reported in the literature or in a large population database, indicating this variant is rare. At this time, the clinical significance of this variant is uncertain due to the absence of conclusive functional and genetic evidence.

NM_006080.3(SEMA3A):c.338A>G (p.Glu113Gly)

Gene: SEMA3A (semaphorin 3A; minus strand). Cytogenetic location: 7q21.11.
Variant type: single nucleotide variant.
Coding change: c.338A>G on transcript NM_006080.3 (MANE Select); coding-DNA position 338, A replaced by G.
Protein change: p.Glu113Gly; replaces glutamic acid 113 with glycine.
Molecular consequence: missense variant.
Genome position (GRCh38, 1-based): chr7:84,110,585, T>C on the plus strand (A>G on the coding strand, the complement: SEMA3A is on the minus strand). VCF-style: chr7-84110585-T-C. GRCh37 (hg19) VCF-style: chr7-83739901-T-C.
Other names: short protein forms E113G.
Identifiers: ClinVar variation 3357388 (VCV003357388.1).
Genomic context (GRCh38, chr7:84,110,585, plus strand): 5'-CCACAGGCGTACAAGTGAGTCTGATTATATGCCTTAAGTACCTTGATGAAATTAGCACAT[T>C]CTTTCTGTAAGACAAAAGGAAAACCAAAGAGTTTCAGCAATCAGCATGACTGAGGTATCC-3'
Protein context (NP_006071.1, residues 103-123): CKWAGKDILK[Glu113Gly]CANFIKVLKA